The following is an entry in ClinVar:

NM_017950.4(CCDC40):c.400G>A (p.Gly134Arg)

Gene: CCDC40 (coiled-coil domain 40 molecular ruler complex subunit; plus strand). Cytogenetic location: 17q25.3.
Variant type: single nucleotide variant.
Coding change: c.400G>A on transcript NM_017950.4 (MANE Select); coding-DNA position 400, G replaced by A.
Protein change: p.Gly134Arg; replaces glycine 134 with arginine.
Molecular consequence: missense variant.
Genome position (GRCh38, 1-based): chr17:80,040,118, G>A. VCF-style: chr17-80040118-G-A. GRCh37 (hg19) VCF-style: chr17-78013917-G-A.
Other names: c.400G>A, p.Gly134Arg (NM_001330508.2, NM_001243342.2); short protein forms G134R.
Identifiers: ClinVar variation 2050403 (VCV002050403.2), dbSNP rs201191082, ClinGen allele CA8813435.

ClinVar aggregate classification (germline): Conflicting classifications of pathogenicity. Review status: criteria provided, conflicting classifications (1 of 4 stars). 2 submissions from 2 submitters: Uncertain significance (1); Likely benign (1). Last evaluated 2023-05-05.

Conditions:
Primary ciliary dyskinesia. Also called: Ciliary dyskinesia. Identifiers: Orphanet 244, MedGen C0008780, MONDO:0016575, HP:0012265.

Allele frequency attached by ClinVar (database versions not stated): gnomAD 0.00009; TOPMed 0.00009; gnomAD exomes 0.00013; ExAC 0.00015; 1000 Genomes Project 30x 0.00016; 1000 Genomes Project 0.00020.
gnomAD v4.1: 204 of 1,614,138 alleles (0.013%); highest among the groups gnomAD compares: East Asian, 0.37%; 1 homozygote.

Submissions (2):

Ambry Genetics
Classification: Likely benign for Primary ciliary dyskinesia. Last evaluated: 2023-05-05. Review status: criteria provided, single submitter. Criteria: Ambry Variant Classification Scheme 2023. Collection method: clinical testing. Allele origin: germline.

Labcorp Genetics (formerly Invitae), Labcorp
Classification: Uncertain significance for Primary ciliary dyskinesia. Last evaluated: 2022-08-20. Review status: criteria provided, single submitter. Criteria: Invitae Variant Classification Sherloc (09022015). Collection method: clinical testing. Allele origin: germline.
Comment: This sequence change replaces glycine, which is neutral and non-polar, with arginine, which is basic and polar, at codon 134 of the CCDC40 protein (p.Gly134Arg). This variant is present in population databases (rs201191082, gnomAD 0.06%). This variant has not been reported in the literature in individuals affected with CCDC40-related conditions. Algorithms developed to predict the effect of missense changes on protein structure and function output the following: SIFT: "Tolerated"; PolyPhen-2: "Benign"; Align-GVGD: "Class C0". The arginine amino acid residue is found in multiple mammalian species, which suggests that this missense change does not adversely affect protein function. In summary, the available evidence is currently insufficient to determine the role of this variant in disease. Therefore, it has been classified as a Variant of Uncertain Significance.